The following is an entry in ClinVar:

NM_002528.7(NTHL1):c.859C>A (p.Pro287Thr)

Gene: NTHL1 (nth like DNA glycosylase 1; minus strand). Cytogenetic location: 16p13.3.
Variant type: single nucleotide variant.
Coding change: c.859C>A on transcript NM_002528.7 (MANE Select); coding-DNA position 859, C replaced by A.
Protein change: p.Pro287Thr; replaces proline 287 with threonine.
Molecular consequence: missense variant.
Genome position (GRCh38, 1-based): chr16:2,039,980, G>T on the plus strand (C>A on the coding strand, the complement: NTHL1 is on the minus strand). VCF-style: chr16-2039980-G-T. GRCh37 (hg19) VCF-style: chr16-2089981-G-T.
Other names: c.688C>A, p.Pro230Thr (NM_001318193.2); c.529C>A, p.Pro177Thr (NM_001318194.2); short protein forms P177T, P287T, P230T.
Identifiers: ClinVar variation 4662324 (VCV004662324.1).

ClinVar aggregate classification (germline): Uncertain significance (1 of 4 stars; one submission).

Conditions:
Hereditary cancer-predisposing syndrome. Also called: Neoplastic Syndromes, Hereditary; Tumor predisposition; Hereditary Cancer Syndrome; Hereditary neoplastic syndrome. Identifiers: Orphanet 140162, MedGen C0027672, MeSH D009386, MONDO:0015356.

Submission:

Ambry Genetics
Classification: Uncertain significance for Hereditary cancer-predisposing syndrome. Last evaluated: 2025-11-02. Review status: criteria provided, single submitter. Criteria: Ambry Variant Classification Scheme 2023. Collection method: clinical testing. Allele origin: germline.
Comment: The p.P295T variant (also known as c.883C>A), located in coding exon 6 of the NTHL1 gene, results from a C to A substitution at nucleotide position 883. The proline at codon 295 is replaced by threonine, an amino acid with highly similar properties. This amino acid position is conserved. In addition, this alteration is predicted to be deleterious by in silico analysis. Based on the available evidence, the clinical significance of this variant remains unclear.